The following is an entry in ClinVar:

NC_000011.10:g.90072950G>A

Genes: TRIM49C (tripartite motif containing 49C; plus strand), UBTFL1 (upstream binding transcription factor like 1; plus strand). Cytogenetic location: 11q14.3.
Variant type: single nucleotide variant.
Genome position: GRCh38 VCF-style: chr11-90072950-G-A. GRCh37 (hg19) VCF-style: chr11-89806118-G-A.
Identifiers: ClinVar variation 2642262 (VCV002642262.24), dbSNP rs201161375, ClinGen allele CA6224453.

ClinVar aggregate classification (germline): Likely benign (1 of 4 stars; one submission).

Allele frequency attached by ClinVar (database versions not stated): 1000 Genomes Project 30x 0.00016; gnomAD exomes 0.00018; 1000 Genomes Project 0.00020; ExAC 0.00125.

Submission:

CeGaT Center for Human Genetics Tuebingen
Classification: Likely benign. Last evaluated: 2022-12-01. Review status: criteria provided, single submitter. Criteria: CeGaT Center For Human Genetics Tuebingen Variant Classification Criteria Version 2. Collection method: clinical testing. Allele origin: germline. Affected: yes. Observed: 1 variant allele.
Comment: UBTFL1: BS2